The following is an entry in ClinVar:

NC_000019.9:g.(?_49684586)_(49714755_?)del

Gene: TRPM4 (transient receptor potential cation channel subfamily M member 4; plus strand). Cytogenetic location: 19q13.33.
Variant type: Deletion.
Identifiers: ClinVar variation 3248459 (VCV003248459.1).

ClinVar aggregate classification (germline): Uncertain significance (1 of 4 stars; one submission).

Conditions:
Progressive familial heart block type IB (PFHB1B). Identifiers: Orphanet 871, MedGen C1970298, MONDO:0011474, OMIM 604559.

Submission:

Labcorp Genetics (formerly Invitae), Labcorp
Classification: Uncertain significance for Progressive familial heart block type IB. Last evaluated: 2022-12-09. Review status: criteria provided, single submitter. Criteria: Invitae Variant Classification Sherloc (09022015). Collection method: clinical testing. Allele origin: unknown.
Comment: This variant is a gross deletion of the genomic region encompassing exon(s) 10-25 of the TRPM4 gene, which includes the termination codon. This deletion extends beyond the assayed region for this gene and therefore may encompass additional genes. While this deletion is not anticipated to lead to nonsense mediated decay, it is expected to alter mRNA translation or result in a truncated protein product. In summary, the available evidence is currently insufficient to determine the role of this variant in disease. Therefore, it has been classified as a Variant of Uncertain Significance. This variant has not been reported in the literature in individuals affected with TRPM4-related conditions.